The following is an entry in ClinVar:

ClinVar aggregate classification (germline): Uncertain significance (1 of 4 stars; one submission).

Conditions:
RPGRIP1L-related disorder. Also called: RPGRIP1L-related disorders; RPGRIP1L-related condition. Identifiers: MedGen CN239416.

Submission:

PreventionGenetics, part of Exact Sciences
Classification: Uncertain significance for RPGRIP1L-related condition. Last evaluated: 2025-08-05. Review status: criteria provided, single submitter. Criteria: ACMG Guidelines, 2015. Collection method: clinical testing. Allele origin: germline.
Comment: The RPGRIP1L c.1517T>G variant is predicted to result in the amino acid substitution p.Val506Gly. To our knowledge, this variant has not been reported in the literature or in a large population database (gnomAD), indicating this variant is rare. At this time, the clinical significance of this variant is uncertain due to the absence of conclusive functional and genetic evidence.

NM_015272.5(RPGRIP1L):c.1517T>G (p.Val506Gly)

Gene: RPGRIP1L (RPGRIP1 like; minus strand). Cytogenetic location: 16q12.2.
Variant type: single nucleotide variant.
Coding change: c.1517T>G on transcript NM_015272.5 (MANE Select); coding-DNA position 1517, T replaced by G.
Protein change: p.Val506Gly; replaces valine 506 with glycine.
Molecular consequence: missense variant.
Genome position (GRCh38, 1-based): chr16:53,657,517, A>C on the plus strand (T>G on the coding strand, the complement: RPGRIP1L is on the minus strand). VCF-style: chr16-53657517-A-C. GRCh37 (hg19) VCF-style: chr16-53691429-A-C.
Other names: c.1517T>G, p.Val506Gly (NM_001127897.4, NM_001308334.3, NM_001330538.2); short protein forms V506G.
Identifiers: ClinVar variation 4999879 (VCV004999879.1).